The following is an entry in ClinVar:

ClinVar aggregate classification (germline): Uncertain significance (1 of 4 stars; one submission).

Conditions:
Inborn genetic diseases. Identifiers: MedGen C0950123, MeSH D030342.

Allele frequency attached by ClinVar (database versions not stated): gnomAD exomes below 0.00001.
gnomAD v4.1: 2 of 1,614,230 alleles (0.00012%); highest among the groups gnomAD compares: Non-Finnish European, 0.00017%; no homozygotes.

Submission:

Ambry Genetics
Classification: Uncertain significance for Inborn genetic diseases. Last evaluated: 2023-05-05. Review status: criteria provided, single submitter. Criteria: Ambry Variant Classification Scheme 2023. Collection method: clinical testing. Allele origin: germline.
Comment: The c.896A>G (p.Q299R) alteration is located in coding exon 8 of the VPS13D gene. This alteration results from a A to G substitution at nucleotide position 896, causing the glutamine (Q) at amino acid position 299 to be replaced by an arginine (R). This variant was not reported in population-based cohorts in the Genome Aggregation Database (gnomAD). This amino acid position is well conserved in available vertebrate species. This alteration is predicted to be tolerated by in silico analysis. Based on insufficient or conflicting evidence, the clinical significance of this alteration remains unclear.

NM_015378.4(VPS13D):c.896A>G (p.Gln299Arg)

Gene: VPS13D (vacuolar protein sorting 13 homolog D; plus strand). Cytogenetic location: 1p36.22.
Variant type: single nucleotide variant.
Coding change: c.896A>G on transcript NM_015378.4 (MANE Select); coding-DNA position 896, A replaced by G.
Protein change: p.Gln299Arg; replaces glutamine 299 with arginine.
Molecular consequence: missense variant.
Genome position (GRCh38, 1-based): chr1:12,257,042, A>G. VCF-style: chr1-12257042-A-G. GRCh37 (hg19) VCF-style: chr1-12317099-A-G.
Other names: c.896A>G, p.Gln299Arg (NM_018156.4); short protein forms Q299R.
Identifiers: ClinVar variation 2544713 (VCV002544713.2), dbSNP rs2523923960, ClinGen allele CA338458434.
Genomic context (GRCh38, chr1:12,257,042, plus strand): 5'-CAAAGCTGCAATACCGGCAAATCATGGAATTCCTCAAGGAGCTGGAACGAAAGGAGAGGC[A>G]GGTGAAGTTCCGAAGGTGGAAACCCAAGGTGGCGATATCTAAGAAGTAAGGGCTTCTCAG-3'
Protein context (NP_056193.2, residues 289-309): FLKELERKER[Gln299Arg]VKFRRWKPKV